The following is an entry in ClinVar:

ClinVar aggregate classification (germline): Likely benign (0 of 4 stars; one submission).

Conditions:
MUC16-related disorder. Also called: MUC16-related condition.

Allele frequency attached by ClinVar (database versions not stated): 1000 Genomes Project 30x 0.00203; ESP Exome Variant Server 0.00223; gnomAD exomes 0.00017; ExAC 0.00058; 1000 Genomes Project 0.00160; gnomAD 0.00169; TOPMed 0.00197.

Submission:

PreventionGenetics, part of Exact Sciences
Classification: Likely benign for MUC16-related condition. Last evaluated: 2019-02-18. Review status: no assertion criteria provided. Collection method: clinical testing. Allele origin: germline.
Comment: This variant is classified as likely benign based on ACMG/AMP sequence variant interpretation guidelines (Richards et al. 2015 PMID: 25741868, with internal and published modifications).

NM_001401501.2(MUC16):c.6428A>G (p.Gln2143Arg)

Gene: MUC16 (mucin 16, cell surface associated; minus strand). Cytogenetic location: 19p13.2.
Variant type: single nucleotide variant.
Coding change: c.6428A>G on transcript NM_001401501.2 (MANE Select); coding-DNA position 6428, A replaced by G.
Protein change: p.Gln2143Arg; replaces glutamine 2143 with arginine.
Molecular consequence: missense variant.
Genome position (GRCh38, 1-based): chr19:8,974,831, T>C on the plus strand (A>G on the coding strand, the complement: MUC16 is on the minus strand). VCF-style: chr19-8974831-T-C. GRCh37 (hg19) VCF-style: chr19-9085507-T-C.
Other names: c.6854A>G, p.Gln2285Arg (NM_001414686.1); c.6308A>G, p.Gln2103Arg (NM_001414687.1, NM_024690.2); short protein forms Q2103R, Q2143R, Q2285R.
Identifiers: ClinVar variation 3040693 (VCV003040693.2), dbSNP rs193201565, ClinGen allele CA9172451.